The following is an entry in ClinVar:

ClinVar aggregate classification (germline): Uncertain significance (1 of 4 stars; one submission).

Submission:

Women's Health and Genetics/Laboratory Corporation of America, LabCorp
Classification: Uncertain significance. Last evaluated: 2025-05-14. Review status: criteria provided, single submitter. Criteria: LabCorp Variant Classification Summary - May 2015. Collection method: clinical testing. Allele origin: germline.
Comment: Variant summary: KCNQ2 c.193G>C (p.Gly65Arg) results in a non-conservative amino acid change in the encoded protein sequence. Algorithms developed to predict the effect of missense changes on protein structure and function all suggest that this variant is likely to be disruptive. The variant was absent in 133278 control chromosomes. The available data on variant occurrences in the general population are insufficient to allow any conclusion about variant significance. To our knowledge, no occurrence of c.193G>C in individuals affected with KCNQ2-Related Disorders and no experimental evidence demonstrating its impact on protein function have been reported. No submitters have cited clinical-significance assessments for this variant to ClinVar. Based on the evidence outlined above, the variant was classified as uncertain significance.

NM_172107.4(KCNQ2):c.193G>C (p.Gly65Arg)

Gene: KCNQ2 (potassium voltage-gated channel subfamily Q member 2; minus strand). Cytogenetic location: 20q13.33.
Variant type: single nucleotide variant.
Coding change: c.193G>C on transcript NM_172107.4 (MANE Select); coding-DNA position 193, G replaced by C.
Protein change: p.Gly65Arg; replaces glycine 65 with arginine.
Molecular consequence: missense variant.
Genome position (GRCh38, 1-based): chr20:63,472,271, C>G on the plus strand (G>C on the coding strand, the complement: KCNQ2 is on the minus strand). VCF-style: chr20-63472271-C-G. GRCh37 (hg19) VCF-style: chr20-62103624-C-G.
Other names: c.193G>C, p.Gly65Arg (NM_001382235.1, NM_004518.6, NM_172106.3 and 2 more transcripts); short protein forms G65R.
Identifiers: ClinVar variation 3902213 (VCV003902213.1).